The following is an entry in ClinVar:

ClinVar aggregate classification (germline): Likely benign. Review status: criteria provided, multiple submitters, no conflicts (2 of 4 stars). 2 submissions from 2 submitters: Likely benign (2). Last evaluated 2024-12-24.

Conditions:
Propionic acidemia (PROP). Also called: GLYCINEMIA, KETOTIC; HYPERGLYCINEMIA WITH KETOACIDOSIS AND LEUKOPENIA; KETOTIC HYPERGLYCINEMIA. Identifiers: Orphanet 35, MedGen C0268579, MONDO:0011628, OMIM 606054, HP:0003571.

Allele frequency attached by ClinVar (database versions not stated): TOPMed below 0.00001; gnomAD exomes 0.00002.
gnomAD v4.1: 10 of 1,540,626 alleles (0.00065%); highest among the groups gnomAD compares: Admixed American, 0.02%; 1 homozygote.

Submissions (2):

Labcorp Genetics (formerly Invitae), Labcorp
Classification: Likely benign for Propionic acidemia. Last evaluated: 2024-12-24. Review status: criteria provided, single submitter. Criteria: Invitae Variant Classification Sherloc (09022015). Collection method: clinical testing. Allele origin: germline.

GeneDx
Classification: Likely benign. Last evaluated: 2016-10-20. Review status: criteria provided, single submitter. Criteria: GeneDx Variant Classification (06012015). Collection method: clinical testing. Allele origin: germline. Affected: yes.
Comment: This variant is considered likely benign or benign based on one or more of the following criteria: it is a conservative change, it occurs at a poorly conserved position in the protein, it is predicted to be benign by multiple in silico algorithms, and/or has population frequency not consistent with disease.

NM_000532.5(PCCB):c.24G>T (p.Ala8=)

Gene: PCCB (propionyl-CoA carboxylase subunit beta; plus strand). Cytogenetic location: 3q22.3.
Variant type: single nucleotide variant.
Coding change: c.24G>T on transcript NM_000532.5 (MANE Select); coding-DNA position 24, G replaced by T.
Protein change: p.Ala8=; no amino-acid change (alanine 8 retained).
Molecular consequence: synonymous variant.
Genome position (GRCh38, 1-based): chr3:136,250,399, G>T. VCF-style: chr3-136250399-G-T. GRCh37 (hg19) VCF-style: chr3-135969241-G-T.
Other names: c.24G>T, p.Ala8= (NM_001178014.2).
Identifiers: ClinVar variation 390000 (VCV000390000.11), dbSNP rs1057523611, ClinGen allele CA16604464.